The following is an entry in ClinVar:

NM_007078.3(LDB3):c.245+1G>A

Gene: LDB3 (LIM domain binding 3; plus strand). Cytogenetic location: 10q23.2.
Variant type: single nucleotide variant.
Coding change: c.245+1G>A on transcript NM_007078.3 (MANE Select); the canonical splice donor site of the intron after coding-DNA position 245, G replaced by A.
Molecular consequence: splice donor variant.
Genome position (GRCh38, 1-based): chr10:86,679,519, G>A. VCF-style: chr10-86679519-G-A. GRCh37 (hg19) VCF-style: chr10-88439276-G-A.
Other names: c.245+1G>A (NM_001368064.1, NM_001368063.1, NM_001368066.1 and 8 more transcripts).
Identifiers: ClinVar variation 3650743 (VCV003650743.3).
Genomic context (GRCh38, chr10:86,679,519, plus strand): 5'-CCTGGAAGCCCAGAACAAGATCAAGTCTGCCAGCTACAACTTGAGCCTCACCCTGCAGAA[G>A]TAGGTGGGAGCTCTCCAGAGCAGGGGGCGGAGGTTTGGGTGTGGGCATGGGGCAGGGGCC-3'

ClinVar aggregate classification (germline): Likely pathogenic (1 of 4 stars; one submission).

Conditions:
Myofibrillar myopathy 4. Also called: Zaspopathy (type). Identifiers: Orphanet 98912, MedGen C4721886, MONDO:0012277, OMIM 609452.

gnomAD v4.1: 5 of 1,613,684 alleles (0.00031%); no homozygotes.

Submissions (2):

Labcorp Genetics (formerly Invitae), Labcorp
Classification: Likely pathogenic for Myofibrillar myopathy 4. Last evaluated: 2024-05-09. Review status: criteria provided, single submitter. Criteria: Invitae Variant Classification Sherloc (09022015). Collection method: clinical testing. Allele origin: germline.
Comment: This sequence change affects a donor splice site in intron 2 of the LDB3 gene. It is expected to disrupt RNA splicing. Variants that disrupt the donor or acceptor splice site typically lead to a loss of protein function (PMID: 16199547), and loss-of-function variants in LDB3 are known to be pathogenic (PMID: 36253531). This variant is present in population databases (rs112448389, gnomAD 0.01%). This variant has not been reported in the literature in individuals affected with LDB3-related conditions. Algorithms developed to predict the effect of sequence changes on RNA splicing suggest that this variant may disrupt the consensus splice site. In summary, the currently available evidence indicates that the variant is pathogenic, but additional data are needed to prove that conclusively. Therefore, this variant has been classified as Likely Pathogenic.

Dr. Peter K. Rogan Lab, Western University
No classification provided (evidence only). Condition: Thyroid cancer, nonmedullary, 1. Review status: no classification provided. Collection method: in vitro. Allele origin: not applicable. Functional consequence: retained intron. Not counted in ClinVar's aggregate classification.

Literature cited by the submitters: PubMed 16199547 (cited by Labcorp Genetics (formerly Invitae), Labcorp); PubMed 36253531 (cited by Labcorp Genetics (formerly Invitae), Labcorp).